The following is an entry in ClinVar:

NM_001142864.4(PIEZO1):c.648C>T (p.Pro216=)

Genes: HSALR1 (HSP90AB1 associated lncRNA 1; plus strand), PIEZO1 (piezo type mechanosensitive ion channel component 1 (Er blood group); minus strand). Cytogenetic location: 16q24.3.
Variant type: single nucleotide variant.
Coding change: c.648C>T on transcript NM_001142864.4 (MANE Select); coding-DNA position 648, C replaced by T.
Protein change: p.Pro216=; no amino-acid change (proline 216 retained).
Molecular consequence: synonymous variant.
Genome position (GRCh38, 1-based): chr16:88,738,427, G>A on the plus strand (C>T on the coding strand, the complement: PIEZO1 is on the minus strand). VCF-style: chr16-88738427-G-A. GRCh37 (hg19) VCF-style: chr16-88804835-G-A.
Identifiers: ClinVar variation 3048798 (VCV003048798.2), dbSNP rs765091878, ClinGen allele CA8233220.

ClinVar aggregate classification (germline): Likely benign (0 of 4 stars; one submission).

Conditions:
PIEZO1-related disorder. Also called: PIEZO1-Related Disorders; PIEZO1-related condition.

Allele frequency attached by ClinVar (database versions not stated): TOPMed below 0.00001; gnomAD 0.00001; ExAC 0.00006.
gnomAD v4.1: 4 of 1,535,660 alleles (0.00026%); highest among the groups gnomAD compares: African/African-American, 0.0014%; no homozygotes.

Submission:

PreventionGenetics, part of Exact Sciences
Classification: Likely benign for PIEZO1-related condition. Last evaluated: 2023-01-24. Review status: no assertion criteria provided. Collection method: clinical testing. Allele origin: germline.
Comment: This variant is classified as likely benign based on ACMG/AMP sequence variant interpretation guidelines (Richards et al. 2015 PMID: 25741868, with internal and published modifications).